The following is an entry in ClinVar:

ClinVar aggregate classification (germline): Likely benign (1 of 4 stars; one submission).

Submission:

GeneDx
Classification: Likely benign. Last evaluated: 2019-08-07. Review status: criteria provided, single submitter. Criteria: GeneDx Variant Classification Process June 2021. Collection method: clinical testing. Allele origin: germline. Affected: yes.
Comment: See Variant Classification Assertion Criteria.

NM_001018115.3(FANCD2):c.3777+84_3777+86dup

Genes: FANCD2 (FA complementation group D2; plus strand), FANCD2OS (FANCD2 opposite strand; minus strand). Cytogenetic location: 3p25.3.
Variant type: Duplication.
Coding change: c.3777+84_3777+86dup on transcript NM_001018115.3 (MANE Select); bases 84 to 86 of the intron after coding-DNA position 3777, 3 bases duplicated (TTT; older notation c.3777+84_3777+86dupTTT).
Molecular consequence: intron variant.
Genome position (GRCh38, 1-based): chr3:10,090,469-10,090,471, TTT duplicated; duplicating any 3 consecutive bases within chr3:10,090,444-10,090,471 gives the same sequence; the c. name uses the placement nearest the transcript's 3' end. VCF-style (leftmost placement, unchanged base first): chr3-10090443-A-ATTT. GRCh37 (hg19) VCF-style: chr3-10132127-A-ATTT.
Other names: c.3777+84_3777+86dup (NM_001319984.2, NM_033084.6, NM_001374254.1); c.3666+84_3666+86dup (NM_001374253.1); c.*44-8915_*44-8913dup (NM_173472.2).
Identifiers: ClinVar variation 1804624 (VCV001804624.1), dbSNP rs773716319, ClinGen allele CA540881251.